The following is an entry in ClinVar:

NM_000255.4(MMUT):c.1777G>T (p.Glu593Ter)

Gene: MMUT (methylmalonyl-CoA mutase; minus strand). Cytogenetic location: 6p12.3.
Variant type: single nucleotide variant.
Coding change: c.1777G>T on transcript NM_000255.4 (MANE Select); coding-DNA position 1777, G replaced by T.
Protein change: p.Glu593Ter; replaces glutamic acid 593 with a stop codon.
Molecular consequence: nonsense.
Genome position (GRCh38, 1-based): chr6:49,441,871, C>A on the plus strand (G>T on the coding strand, the complement: MMUT is on the minus strand). VCF-style: chr6-49441871-C-A. GRCh37 (hg19) VCF-style: chr6-49409584-C-A.
Other names: short protein forms E593*.
Identifiers: ClinVar variation 558328 (VCV000558328.11), dbSNP rs148285323, ClinGen allele CA364395728.

ClinVar aggregate classification (germline): Pathogenic. Review status: criteria provided, multiple submitters, no conflicts (2 of 4 stars). 5 submissions from 5 submitters: Pathogenic (4). 1 of the submissions does not count toward it. Last evaluated 2026-04-14.

Conditions:
Methylmalonic aciduria due to complete methylmalonyl-CoA mutase deficiency.
Methylmalonic aciduria due to methylmalonyl-CoA mutase deficiency (MAMM). Also called: Methylmalonic aciduria, mut type. Identifiers: Orphanet 27, MedGen C1855114, MONDO:0009612, OMIM 251000.

Submissions (5):

GeneDx
Classification: Pathogenic. Last evaluated: 2026-04-14. Review status: criteria provided, single submitter. Criteria: GeneDx Variant Classification Process June 2021. Collection method: clinical testing. Allele origin: germline.
Comment: Nonsense variant predicted to result in protein truncation or nonsense mediated decay in a gene for which loss of function is a known mechanism of disease; Not observed at significant frequency in large population cohorts (gnomAD); This variant is associated with the following publications: (PMID: 31622506, 35361390, 37316190, 26454439, 31466887, 39075538, 35314707, 34668645)

Natera, Inc.
Classification: Pathogenic for Methylmalonic aciduria due to complete methylmalonyl-CoA mutase deficiency. Last evaluated: 2024-11-18. Review status: criteria provided, single submitter. Criteria: Natera Variant Classification Schema (03/2026). Collection method: clinical testing. Allele origin: germline.
Comment: The c.1777G>T variant in MMUT is a nonsense variant predicted to introduce a stop codon at amino acid 593. This variant is expected to result in nonsense mediated decay, truncation, or a dysfunctional protein product. This variant is rare in the general population with a frequency below the threshold expected for the associated phenotype(s). This variant has been observed in one or more individuals affected with the associated recessive disease, as either homozygous or compound heterozygous with a second variant (PMID: 26454439, 34668645). Given the available evidence, this variant is classified as Pathogenic.

Labcorp Genetics (formerly Invitae), Labcorp
Classification: Pathogenic. Last evaluated: 2024-03-13. Review status: criteria provided, single submitter. Criteria: Invitae Variant Classification Sherloc (09022015). Collection method: clinical testing. Allele origin: germline.
Comment: This sequence change creates a premature translational stop signal (p.Glu593*) in the MUT gene. It is expected to result in an absent or disrupted protein product. Loss-of-function variants in MUT are known to be pathogenic (PMID: 15781192). This variant is not present in population databases (gnomAD no frequency). This premature translational stop signal has been observed in individual(s) with methylmalonic aciduria (PMID: 26454439, 31466887, 31622506). ClinVar contains an entry for this variant (Variation ID: 558328). Algorithms developed to predict the effect of sequence changes on RNA splicing suggest that this variant may disrupt the consensus splice site. For these reasons, this variant has been classified as Pathogenic.

Juno Genomics, Hangzhou Juno Genomics, Inc
Classification: Pathogenic for Methylmalonic aciduria due to methylmalonyl-CoA mutase deficiency. Review status: criteria provided, single submitter. Criteria: ACMG Guidelines, 2015. Collection method: clinical testing. Allele origin: germline. Affected: yes.
Comment: Absent from controls (or at extremely low frequency if recessive) in Genome Aggregation Database.;Null variant in a gene where loss of function (LOF) is a known mechanism of disease.;For recessive disorders, detected in trans with a pathogenic variant.;Patient's phenotype or family history is highly specific for a disease with a single genetic etiology.

Counsyl
Classification: Likely pathogenic for Methylmalonic aciduria due to methylmalonyl-CoA mutase deficiency. Last evaluated: 2018-05-14. Review status: no assertion criteria provided. Collection method: clinical testing. Allele origin: unknown. Not counted in ClinVar's aggregate classification.

Literature cited by the submitters: PubMed 26454439 (cited by 3 submitters); PubMed 34668645 (cited by Natera, Inc.); PubMed 15781192 (cited by Labcorp Genetics (formerly Invitae), Labcorp); PubMed 31466887 (cited by Labcorp Genetics (formerly Invitae), Labcorp); PubMed 31622506 (cited by Labcorp Genetics (formerly Invitae), Labcorp).